The following is an entry in ClinVar:

NM_016617.4(UFM1):c.59+109C>T

Gene: UFM1 (ubiquitin fold modifier 1; plus strand). Cytogenetic location: 13q13.3.
Variant type: single nucleotide variant.
Coding change: c.59+109C>T on transcript NM_016617.4 (MANE Select); 109 bases into the intron after coding-DNA position 59, C replaced by T.
Molecular consequence: intron variant. On other transcripts: missense variant (1).
Genome position (GRCh38, 1-based): chr13:38,350,164, C>T. VCF-style: chr13-38350164-C-T. GRCh37 (hg19) VCF-style: chr13-38924301-C-T.
Other names: c.50C>T, p.Thr17Ile (NM_001286704.2); c.59+109C>T (NM_001286705.2, NM_001286703.2, NM_001286706.2); short protein forms T17I.
Identifiers: ClinVar variation 1420890 (VCV001420890.6), dbSNP rs369545378, ClinGen allele CA6953931.

ClinVar aggregate classification (germline): Uncertain significance (1 of 4 stars; one submission).

Allele frequency attached by ClinVar (database versions not stated): TOPMed below 0.00001; ExAC 0.00001; gnomAD 0.00001; gnomAD exomes 0.00001; ESP Exome Variant Server 0.00017.
gnomAD v4.1: 17 of 1,614,004 alleles (0.0011%); highest among the groups gnomAD compares: Non-Finnish European, 0.0014%; no homozygotes.

Submission:

Labcorp Genetics (formerly Invitae), Labcorp
Classification: Uncertain significance. Last evaluated: 2021-09-17. Review status: criteria provided, single submitter. Criteria: Invitae Variant Classification Sherloc (09022015). Collection method: clinical testing. Allele origin: germline.
Comment: This sequence change replaces threonine with isoleucine at codon 17 of the UFM1 protein (p.Thr17Ile). The threonine residue is weakly conserved and there is a moderate physicochemical difference between threonine and isoleucine. This variant is present in population databases (rs369545378, ExAC 0.002%). This variant has not been reported in the literature in individuals affected with UFM1-related conditions. Algorithms developed to predict the effect of missense changes on protein structure and function are either unavailable or do not agree on the potential impact of this missense change (SIFT: "Deleterious"; PolyPhen-2: "Benign"; Align-GVGD: "Class C0"). In summary, the available evidence is currently insufficient to determine the role of this variant in disease. Therefore, it has been classified as a Variant of Uncertain Significance.